The following is an entry in ClinVar:

ClinVar aggregate classification (germline): Uncertain significance. Review status: criteria provided, multiple submitters, no conflicts (2 of 4 stars). 2 submissions from 2 submitters: Uncertain significance (2). Last evaluated 2026-05-01.

Submissions (2):

CeGaT Center for Human Genetics Tuebingen
Classification: Uncertain significance. Last evaluated: 2026-05-01. Review status: criteria provided, single submitter. Criteria: CeGaT Center For Human Genetics Tuebingen Variant Classification Criteria Version 2. Collection method: clinical testing. Allele origin: germline. Affected: yes. Observed: 1 variant allele.
Comment: B3GALT6: PM2

Mayo Clinic Laboratories, Mayo Clinic
Classification: Uncertain significance. Last evaluated: 2024-10-16. Review status: criteria provided, single submitter. Criteria: ACMG Guidelines, 2015. Collection method: clinical testing. Allele origin: germline. Observed: 2 variant alleles.
Comment: BP4, PS4_supporting

Literature cited by the submitters: PubMed 32821428 (cited by Mayo Clinic Laboratories, Mayo Clinic); PubMed 36757698 (cited by Mayo Clinic Laboratories, Mayo Clinic).

NM_080605.4(B3GALT6):c.122C>T (p.Ala41Val)

Gene: B3GALT6 (beta-1,3-galactosyltransferase 6; plus strand). Cytogenetic location: 1p36.33.
Variant type: single nucleotide variant.
Coding change: c.122C>T on transcript NM_080605.4 (MANE Select); coding-DNA position 122, C replaced by T.
Protein change: p.Ala41Val; replaces alanine 41 with valine.
Molecular consequence: missense variant.
Genome position (GRCh38, 1-based): chr1:1,232,400, C>T. VCF-style: chr1-1232400-C-T. GRCh37 (hg19) VCF-style: chr1-1167780-C-T.
Other names: p.Ala41Val; short protein forms A41V.
Identifiers: ClinVar variation 3379495 (VCV003379495.4).